The following is an entry in ClinVar:

NM_002519.3(NPAT):c.1393C>A (p.Pro465Thr)

Gene: NPAT (nuclear protein, coactivator of histone transcription; minus strand). Cytogenetic location: 11q22.3.
Variant type: single nucleotide variant.
Coding change: c.1393C>A on transcript NM_002519.3 (MANE Select); coding-DNA position 1393, C replaced by A.
Protein change: p.Pro465Thr; replaces proline 465 with threonine.
Molecular consequence: missense variant.
Genome position (GRCh38, 1-based): chr11:108,173,591, G>T on the plus strand (C>A on the coding strand, the complement: NPAT is on the minus strand). VCF-style: chr11-108173591-G-T. GRCh37 (hg19) VCF-style: chr11-108044318-G-T.
Other names: c.1393C>A, p.Pro465Thr (NM_001321307.1); short protein forms P465T.
Identifiers: ClinVar variation 1771582 (VCV001771582.5), dbSNP rs776194539, ClinGen allele CA382515391.
Genomic context (GRCh38, chr11:108,173,591, plus strand): 5'-TCCCTATAGCCATTTCAGTTTCAGTGGACATCTGATTGGTGTATAATTCAGCACAATGTG[G>T]ATTACATTCAGCATTAGAATTCCCTCTTTGGTTAAAGTCATTCAAATTAGGCACGGACTC-3'
Protein context (NP_002510.2, residues 455-475): QRGNSNAECN[Pro465Thr]HCAELYTNQM

ClinVar aggregate classification (germline): Uncertain significance. Review status: criteria provided, multiple submitters, no conflicts (2 of 4 stars). 2 submissions from 2 submitters: Uncertain significance (2). Last evaluated 2024-07-16.

Allele frequency attached by ClinVar (database versions not stated): TOPMed below 0.00001.
gnomAD v4.1: 1 of 1,614,140 alleles (0.000062%); highest among the groups gnomAD compares: Non-Finnish European, 0.000085%; no homozygotes.

Submissions (2):

Labcorp Genetics (formerly Invitae), Labcorp
Classification: Uncertain significance. Last evaluated: 2024-07-16. Review status: criteria provided, single submitter. Criteria: Invitae Variant Classification Sherloc (09022015). Collection method: clinical testing. Allele origin: germline.
Comment: This sequence change replaces proline, which is neutral and non-polar, with threonine, which is neutral and polar, at codon 465 of the NPAT protein (p.Pro465Thr). This variant is not present in population databases (gnomAD no frequency). This variant has not been reported in the literature in individuals affected with NPAT-related conditions. ClinVar contains an entry for this variant (Variation ID: 1771582). An algorithm developed to predict the effect of missense changes on protein structure and function (PolyPhen-2) suggests that this variant is likely to be tolerated. In summary, the available evidence is currently insufficient to determine the role of this variant in disease. Therefore, it has been classified as a Variant of Uncertain Significance.

Ambry Genetics
Classification: Uncertain significance. Last evaluated: 2024-01-14. Review status: criteria provided, single submitter. Criteria: Ambry Variant Classification Scheme 2023. Collection method: clinical testing. Allele origin: germline.
Comment: The p.P465T variant (also known as c.1393C>A), located in coding exon 13 of the NPAT gene, results from a C to A substitution at nucleotide position 1393. The proline at codon 465 is replaced by threonine, an amino acid with highly similar properties. This amino acid position is conserved. In addition, this alteration is predicted to be tolerated by in silico analysis. Since supporting evidence is limited at this time, the clinical significance of this alteration remains unclear.